The following is an entry in ClinVar:

NM_138295.5(PKD1L1):c.3065C>T (p.Ala1022Val)

Gene: PKD1L1 (polycystin 1 like 1, transient receptor potential channel interacting; minus strand). Cytogenetic location: 7p12.3.
Variant type: single nucleotide variant.
Coding change: c.3065C>T on transcript NM_138295.5 (MANE Select); coding-DNA position 3065, C replaced by T.
Protein change: p.Ala1022Val; replaces alanine 1022 with valine.
Molecular consequence: missense variant.
Genome position (GRCh38, 1-based): chr7:47,885,826, G>A on the plus strand (C>T on the coding strand, the complement: PKD1L1 is on the minus strand). VCF-style: chr7-47885826-G-A. GRCh37 (hg19) VCF-style: chr7-47925424-G-A.
Other names: c.3065C>T (NM_138295.3); short protein forms A1022V.
Identifiers: ClinVar variation 2768391 (VCV002768391.8), dbSNP rs148549783, ClinGen allele CA4253551.

ClinVar aggregate classification (germline): Conflicting classifications of pathogenicity. Review status: criteria provided, conflicting classifications (1 of 4 stars). 4 submissions from 4 submitters: Uncertain significance (2); Likely benign (1). 1 of the submissions does not count toward it. Last evaluated 2025-08-18.

Conditions:
PKD1L1-related disorder. Also called: PKD1L1-related condition.
Inborn genetic diseases. Identifiers: MedGen C0950123, MeSH D030342.

Allele frequency attached by ClinVar (database versions not stated): gnomAD exomes 0.00004; ExAC 0.00014; 1000 Genomes Project 30x 0.00016; 1000 Genomes Project 0.00020; TOPMed 0.00038; gnomAD 0.00042; ESP Exome Variant Server 0.00046.
gnomAD v4.1: 140 of 1,614,170 alleles (0.0087%); highest among the groups gnomAD compares: African/African-American, 0.13%; no homozygotes.

Submissions (4):

GeneDx
Classification: Uncertain significance. Last evaluated: 2025-08-18. Review status: criteria provided, single submitter. Criteria: GeneDx Variant Classification Process June 2021. Collection method: clinical testing. Allele origin: germline.
Comment: In silico analysis indicates that this missense variant does not alter protein structure/function; Has not been previously published as pathogenic or benign to our knowledge

Labcorp Genetics (formerly Invitae), Labcorp
Classification: Likely benign. Last evaluated: 2025-05-25. Review status: criteria provided, single submitter. Criteria: Invitae Variant Classification Sherloc (09022015). Collection method: clinical testing. Allele origin: germline.

Ambry Genetics
Classification: Uncertain significance for Inborn genetic diseases. Last evaluated: 2023-10-20. Review status: criteria provided, single submitter. Criteria: Ambry Variant Classification Scheme 2023. Collection method: clinical testing. Allele origin: germline.

PreventionGenetics, part of Exact Sciences
Classification: Likely benign for PKD1L1-related condition. Last evaluated: 2022-03-10. Review status: no assertion criteria provided. Collection method: clinical testing. Allele origin: germline. Not counted in ClinVar's aggregate classification.
Comment: This variant is classified as likely benign based on ACMG/AMP sequence variant interpretation guidelines (Richards et al. 2015 PMID: 25741868, with internal and published modifications).